The following is an entry in ClinVar:

ClinVar aggregate classification (germline): Uncertain significance (1 of 4 stars; one submission).

Conditions:
Symmetrical dyschromatosis of extremities (DSH). Also called: RETICULATE ACROPIGMENTATION OF DOHI; DYSCHROMATOSIS SYMMETRICA HEREDITARIA 1; SYMMETRIC DYSCHROMATOSIS OF THE EXTREMITIES; Dyschromatosis symmetrica hereditaria. Identifiers: Orphanet 41, MedGen C0406775, MONDO:0007483, OMIM 127400.
Aicardi-Goutieres syndrome 6 (AGS6). Identifiers: Orphanet 51, MedGen C3539013, MONDO:0014007, OMIM 615010.

Allele frequency attached by ClinVar (database versions not stated): gnomAD 0.00001; TOPMed 0.00001.

Submission:

Labcorp Genetics (formerly Invitae), Labcorp
Classification: Uncertain significance for Aicardi-Goutieres syndrome 6; Symmetrical dyschromatosis of extremities. Last evaluated: 2022-08-28. Review status: criteria provided, single submitter. Criteria: Invitae Variant Classification Sherloc (09022015). Collection method: clinical testing. Allele origin: germline.
Comment: In summary, the available evidence is currently insufficient to determine the role of this variant in disease. Therefore, it has been classified as a Variant of Uncertain Significance. Algorithms developed to predict the effect of missense changes on protein structure and function are either unavailable or do not agree on the potential impact of this missense change (SIFT: "Deleterious"; PolyPhen-2: "Benign"; Align-GVGD: "Class C0"). This variant has not been reported in the literature in individuals affected with ADAR-related conditions. This variant is not present in population databases (gnomAD no frequency). This sequence change replaces leucine, which is neutral and non-polar, with valine, which is neutral and non-polar, at codon 78 of the ADAR protein (p.Leu78Val).

NM_001111.5(ADAR):c.232C>G (p.Leu78Val)

Gene: ADAR (adenosine deaminase RNA specific; minus strand). Cytogenetic location: 1q21.3.
Variant type: single nucleotide variant.
Coding change: c.232C>G on transcript NM_001111.5 (MANE Select); coding-DNA position 232, C replaced by G.
Protein change: p.Leu78Val; replaces leucine 78 with valine.
Molecular consequence: missense variant. On other transcripts: 5 prime UTR variant (6).
Genome position (GRCh38, 1-based): chr1:154,602,410, G>C on the plus strand (C>G on the coding strand, the complement: ADAR is on the minus strand). VCF-style: chr1-154602410-G-C. GRCh37 (hg19) VCF-style: chr1-154574886-G-C.
Other names: c.-654C>G (NM_001025107.3, NM_001193495.2, NM_001365048.1); c.259C>G, p.Leu87Val (NM_001365045.1); c.-518C>G (NM_001365046.1, NM_001365047.1, NM_001365049.1); c.232C>G, p.Leu78Val (NM_015840.4, NM_015841.4); short protein forms L78V, L87V.
Identifiers: ClinVar variation 2183446 (VCV002183446.4), dbSNP rs1199356648, ClinGen allele CA342605529.
Genomic context (GRCh38, chr1:154,602,410, plus strand): 5'-GCACGCCCCTGGGGACACCCCTGATGTCCACTTGCCTGCCTCTGGTACTGGAGGCAAGTA[G>C]TACTGGAAACCTTGGCCGGAGTCCTGGGAGGGAAGGTGGCAGTGACGGTGTCTGCTTTCC-3'
Protein context (NP_001102.3, residues 68-88): LPGLRPRFPV[Leu78Val]LASSTRGRQV